The following is an entry in ClinVar:

ClinVar aggregate classification (germline): Uncertain significance (0 of 4 stars; one submission).

Conditions:
EP300-related disorder. Also called: EP300-related disorders; EP300-related condition.

gnomAD v4.1: 8 of 1,614,064 alleles (0.0005%); highest among the groups gnomAD compares: African/African-American, 0.011%; no homozygotes.

Submission:

PreventionGenetics, part of Exact Sciences
Classification: Uncertain significance for EP300-related condition. Last evaluated: 2024-05-31. Review status: no assertion criteria provided. Collection method: clinical testing. Allele origin: germline.
Comment: The EP300 c.190C>T variant is predicted to result in the amino acid substitution p.Leu64Phe. To our knowledge, this variant has not been reported in the literature. This variant is reported in 0.016% of alleles in individuals of African descent in gnomAD. Although we suspect that this variant may be benign, at this time, the clinical significance of this variant is uncertain due to the absence of conclusive functional and genetic evidence.

NM_001429.4(EP300):c.190C>T (p.Leu64Phe)

Gene: EP300 (E1A binding protein p300; plus strand). Cytogenetic location: 22q13.2.
Variant type: single nucleotide variant.
Coding change: c.190C>T on transcript NM_001429.4 (MANE Select); coding-DNA position 190, C replaced by T.
Protein change: p.Leu64Phe; replaces leucine 64 with phenylalanine.
Molecular consequence: missense variant.
Genome position (GRCh38, 1-based): chr22:41,117,282, C>T. VCF-style: chr22-41117282-C-T. GRCh37 (hg19) VCF-style: chr22-41513286-C-T.
Other names: c.190C>T, p.Leu64Phe (NM_001362843.2); short protein forms L64F.
Identifiers: ClinVar variation 3358383 (VCV003358383.1).